The following is an entry in ClinVar:

NM_002838.5(PTPRC):c.1829+14T>A

Gene: PTPRC (protein tyrosine phosphatase receptor type C; plus strand). Cytogenetic location: 1q32.1.
Variant type: single nucleotide variant.
Coding change: c.1829+14T>A on transcript NM_002838.5 (MANE Select); 14 bases into the intron after coding-DNA position 1829, T replaced by A.
Molecular consequence: intron variant.
Genome position (GRCh38, 1-based): chr1:198,728,462, T>A. VCF-style: chr1-198728462-T-A. GRCh37 (hg19) VCF-style: chr1-198697591-T-A.
Other names: c.1346+14T>A (NM_080921.4).
Identifiers: ClinVar variation 138851 (VCV000138851.13), dbSNP rs72738067, ClinGen allele CA292988.
Genomic context (GRCh38, chr1:198,728,462, plus strand): 5'-CTTGTTGTTCTCTACAAAATCTATGATCTACATAAGAAAAGATCCTGGTAAGAGTTGATT[T>A]TAAATTTTTAAATAATAATGGTATTAGTAATGGTGCAAACGCATATCCATATGGCAGTGA-3'

ClinVar aggregate classification (germline): Benign/Likely benign. Review status: criteria provided, multiple submitters, no conflicts (2 of 4 stars). 5 submissions from 5 submitters: Benign (4); Likely benign (1). Last evaluated 2026-02-04.

Conditions:
Immunodeficiency 104. Also called: Severe combined immunodeficiency, autosomal recessive, T cell-negative, B cell-positive, NK cell-positive; SCID, AUTOSOMAL RECESSIVE, T CELL-NEGATIVE, B CELL-POSITIVE, NK CELL-POSITIVE; Severe Combined Immune Deficiency, Autosomal Recessive, TCell -Negative, B Cell-Positive, NK Cell-Positive, IL7R-Related; IMMUNODEFICIENCY 104, SEVERE COMBINED. Identifiers: MedGen C5676890, MONDO:0012163, OMIM 608971.

Allele frequency attached by ClinVar (database versions not stated): ESP Exome Variant Server 0.01263; ExAC 0.01404; gnomAD exomes 0.01436 and 0.01590; 1000 Genomes Project 0.00559; TOPMed 0.00996; 1000 Genomes Project 30x 0.00531; gnomAD 0.01354 and 0.01379.
gnomAD v4.1: 25,105 of 1,610,064 alleles (1.6%); highest among the groups gnomAD compares: Non-Finnish European, 1.6%; 279 homozygotes.

Submissions (5):

Labcorp Genetics (formerly Invitae), Labcorp
Classification: Benign for Immunodeficiency 104. Last evaluated: 2026-02-04. Review status: criteria provided, single submitter. Criteria: Invitae Variant Classification Sherloc (09022015). Collection method: clinical testing. Allele origin: germline.

Women's Health and Genetics/Laboratory Corporation of America, LabCorp
Classification: Benign. Last evaluated: 2026-01-23. Review status: criteria provided, single submitter. Criteria: LabCorp Variant Classification Summary - May 2015. Collection method: clinical testing. Allele origin: germline.

Blueprint Genetics
Classification: Likely benign. Last evaluated: 2024-11-25. Review status: criteria provided, single submitter. Criteria: ACMG Guidelines, 2015. Collection method: clinical testing. Allele origin: germline.

GeneDx
Classification: Benign. Last evaluated: 2013-08-02. Review status: criteria provided, single submitter. Criteria: GeneDx Variant Classification (06012015). Collection method: clinical testing. Allele origin: germline. Affected: yes.
Comment: This variant is considered likely benign or benign based on one or more of the following criteria: it is a conservative change, it occurs at a poorly conserved position in the protein, it is predicted to be benign by multiple in silico algorithms, and/or has population frequency not consistent with disease.

Breakthrough Genomics
Classification: Benign. Review status: criteria provided, single submitter. Criteria: ACMG Guidelines, 2015. Collection method: not provided. Allele origin: germline. Inheritance: Autosomal recessive inheritance. Affected: yes.